The following is an entry in ClinVar:

NM_001927.4(DES):c.245C>T (p.Ser82Phe)

Gene: DES (desmin; plus strand). Cytogenetic location: 2q35.
Variant type: single nucleotide variant.
Coding change: c.245C>T on transcript NM_001927.4 (MANE Select); coding-DNA position 245, C replaced by T.
Protein change: p.Ser82Phe; replaces serine 82 with phenylalanine.
Molecular consequence: missense variant.
Genome position (GRCh38, 1-based): chr2:219,418,707, C>T. VCF-style: chr2-219418707-C-T. GRCh37 (hg19) VCF-style: chr2-220283429-C-T.
Other names: c.245C>T (NM_001927.3); c.245C>T, p.Ser82Phe (NM_001382708.1, NM_001382709.1, NM_001382710.1 and 3 more transcripts); short protein forms S82F.
Identifiers: ClinVar variation 1470578 (VCV001470578.8), dbSNP rs1358038961, ClinGen allele CA350684436.
Genomic context (GRCh38, chr2:219,418,707, plus strand): 5'-GGGCCGGGGGCCTGGGGTCGCTGCGGGCCAGCCGGCTGGGGACCACCCGCACGCCCTCCT[C>T]CTACGGCGCAGGCGAGCTGCTGGACTTCTCACTGGCCGACGCGGTGAACCAGGAGTTTCT-3'
Protein context (NP_001918.3, residues 72-92): SRLGTTRTPS[Ser82Phe]YGAGELLDFS

ClinVar aggregate classification (germline): Uncertain significance. Review status: criteria provided, multiple submitters, no conflicts (2 of 4 stars). 3 submissions from 3 submitters: Uncertain significance (3). Last evaluated 2026-03-11.

Conditions:
Neurogenic scapuloperoneal syndrome, Kaeser type (SCPNK). Also called: KAESER SYNDROME. Identifiers: Orphanet 85146, MedGen C1867005, MONDO:0008407, OMIM 181400.
Dilated cardiomyopathy 1I (CMD1I). Identifiers: Orphanet 154, MedGen C1858154, MONDO:0011482, OMIM 604765.
Desmin-related myofibrillar myopathy (MFM1). Also called: Desminopathy; Desmin related myopathy (former name); Desmin storage myopathy (former name); MYOFIBRILLAR MYOPATHY WITH ARRHYTHMOGENIC RIGHT VENTRICULAR CARDIOMYOPATHY; DESMIN-RELATED MYOPATHY WITH ARRHYTHMOGENIC RIGHT VENTRICULAR CARDIOMYOPATHY; Myofibrillar myopathy 1. Identifiers: Orphanet 363543, Orphanet 98909, MedGen C1832370, MONDO:0011076, OMIM 601419.

Allele frequency attached by ClinVar (database versions not stated): gnomAD exomes below 0.00001.
gnomAD v4.1: 4 of 1,566,710 alleles (0.00026%); highest among the groups gnomAD compares: African/African-American, 0.004%; no homozygotes.

Submissions (3):

GeneDx
Classification: Uncertain significance. Last evaluated: 2026-03-11. Review status: criteria provided, single submitter. Criteria: GeneDx Variant Classification Process June 2021. Collection method: clinical testing. Allele origin: germline.
Comment: Not observed at significant frequency in large population cohorts (gnomAD); In silico analysis suggests that this missense variant does not alter protein structure/function; Has not been previously published as pathogenic or benign to our knowledge; This variant is associated with the following publications: (PMID: 26807690)

Labcorp Genetics (formerly Invitae), Labcorp
Classification: Uncertain significance for Desmin-related myofibrillar myopathy. Last evaluated: 2025-11-24. Review status: criteria provided, single submitter. Criteria: Invitae Variant Classification Sherloc (09022015). Collection method: clinical testing. Allele origin: germline.
Comment: This sequence change replaces serine, which is neutral and polar, with phenylalanine, which is neutral and non-polar, at codon 82 of the DES protein (p.Ser82Phe). This variant is present in population databases (no rsID available, gnomAD 0.01%). This variant has not been reported in the literature in individuals affected with DES-related conditions. ClinVar contains an entry for this variant (Variation ID: 1470578). Invitae Evidence Modeling of protein sequence and biophysical properties (such as structural, functional, and spatial information, amino acid conservation, physicochemical variation, residue mobility, and thermodynamic stability) has been performed for this missense variant. However, the output from this modeling did not meet the statistical confidence thresholds required to predict the impact of this variant on DES protein function. In summary, the available evidence is currently insufficient to determine the role of this variant in disease. Therefore, it has been classified as a Variant of Uncertain Significance.

Fulgent Genetics
Classification: Uncertain significance for Neurogenic scapuloperoneal syndrome, Kaeser type; Desmin-related myofibrillar myopathy; Dilated cardiomyopathy 1I. Last evaluated: 2021-08-20. Review status: criteria provided, single submitter. Criteria: ACMG Guidelines, 2015. Collection method: clinical testing. Allele origin: unknown.